The following is an entry in ClinVar:

NM_003998.4(NFKB1):c.106G>A (p.Ala36Thr)

Gene: NFKB1 (nuclear factor kappa B subunit 1; plus strand). Cytogenetic location: 4q24.
Variant type: single nucleotide variant.
Coding change: c.106G>A on transcript NM_003998.4 (MANE Select); coding-DNA position 106, G replaced by A.
Protein change: p.Ala36Thr; replaces alanine 36 with threonine.
Molecular consequence: missense variant.
Genome position (GRCh38, 1-based): chr4:102,529,902, G>A. VCF-style: chr4-102529902-G-A. GRCh37 (hg19) VCF-style: chr4-103451059-G-A.
Other names: c.106G>A, p.Ala36Thr (NM_001165412.2, NM_001319226.2, NM_001382625.1 and 2 more transcripts); c.67G>A, p.Ala23Thr (NM_001382628.1); short protein forms A23T, A36T.
Identifiers: ClinVar variation 1976839 (VCV001976839.5), dbSNP rs2476157704, ClinGen allele CA357957453.
Genomic context (GRCh38, chr4:102,529,902, plus strand): 5'-CATTTGGATCCTTCTTTGACTCATACAATATTTAATCCAGAAGTATTTCAACCACAGATG[G>A]CACTGCCAACAGGTAAGAAAACTCATCCCTGTTACCCTGTTGTTCTGCTTTCAGTCTTAG-3'
Protein context (NP_003989.2, residues 26-46): FNPEVFQPQM[Ala36Thr]LPTADGPYLQ

ClinVar aggregate classification (germline): Uncertain significance (1 of 4 stars; one submission).

Allele frequency attached by ClinVar (database versions not stated): gnomAD exomes below 0.00001.

Submission:

Labcorp Genetics (formerly Invitae), Labcorp
Classification: Uncertain significance. Last evaluated: 2022-05-13. Review status: criteria provided, single submitter. Criteria: Invitae Variant Classification Sherloc (09022015). Collection method: clinical testing. Allele origin: germline.
Comment: In summary, the available evidence is currently insufficient to determine the role of this variant in disease. Therefore, it has been classified as a Variant of Uncertain Significance. Algorithms developed to predict the effect of missense changes on protein structure and function (SIFT, PolyPhen-2, Align-GVGD) all suggest that this variant is likely to be tolerated. This variant has not been reported in the literature in individuals affected with NFKB1-related conditions. This variant is not present in population databases (gnomAD no frequency). This sequence change replaces alanine, which is neutral and non-polar, with threonine, which is neutral and polar, at codon 36 of the NFKB1 protein (p.Ala36Thr).